The following is an entry in ClinVar:

NM_020921.4(NIN):c.3421C>T (p.Arg1141Trp)

Gene: NIN (ninein; minus strand). Cytogenetic location: 14q22.1.
Variant type: single nucleotide variant.
Coding change: c.3421C>T on transcript NM_020921.4 (MANE Select); coding-DNA position 3421, C replaced by T.
Protein change: p.Arg1141Trp; replaces arginine 1141 with tryptophan.
Molecular consequence: missense variant. On other transcripts: intron variant (1).
Genome position (GRCh38, 1-based): chr14:50,757,609, G>A on the plus strand (C>T on the coding strand, the complement: NIN is on the minus strand). VCF-style: chr14-50757609-G-A. GRCh37 (hg19) VCF-style: chr14-51224327-G-A.
Other names: c.3421C>T, p.Arg1141Trp (NM_182944.3, NM_182946.2); c.2399+2248C>T (NM_016350.5); short protein forms R1141W.
Identifiers: ClinVar variation 1905288 (VCV001905288.5), dbSNP rs747335491, ClinGen allele CA7181737.

ClinVar aggregate classification (germline): Uncertain significance (1 of 4 stars; one submission).

Allele frequency attached by ClinVar (database versions not stated): TOPMed 0.00002.
gnomAD v4.1: 35 of 1,613,936 alleles (0.0022%); highest among the groups gnomAD compares: South Asian, 0.0077%; no homozygotes.

Submission:

Labcorp Genetics (formerly Invitae), Labcorp
Classification: Uncertain significance. Last evaluated: 2022-02-23. Review status: criteria provided, single submitter. Criteria: Invitae Variant Classification Sherloc (09022015). Collection method: clinical testing. Allele origin: germline.
Comment: This sequence change replaces arginine, which is basic and polar, with tryptophan, which is neutral and slightly polar, at codon 1141 of the NIN protein (p.Arg1141Trp). This variant is present in population databases (rs747335491, gnomAD 0.02%). This variant has not been reported in the literature in individuals affected with NIN-related conditions. Algorithms developed to predict the effect of missense changes on protein structure and function are either unavailable or do not agree on the potential impact of this missense change (SIFT: "Deleterious"; PolyPhen-2: "Possibly Damaging"; Align-GVGD: "Class C0"). In summary, the available evidence is currently insufficient to determine the role of this variant in disease. Therefore, it has been classified as a Variant of Uncertain Significance.